The following is an entry in ClinVar:

ClinVar aggregate classification (germline): Pathogenic/Likely pathogenic. Review status: criteria provided, multiple submitters, no conflicts (2 of 4 stars). 3 submissions from 3 submitters: Pathogenic (2); Likely pathogenic (1). Last evaluated 2023-12-27.

Conditions:
KMT2D-related disorder. Also called: KMT2D-Related Disorders.
Kabuki syndrome. Also called: NIIKAWA-KUROKI SYNDROME; Kabuki make-up syndrome. Identifiers: Orphanet 2322, MedGen C0796004, MONDO:0016512.
Kabuki syndrome 1 (KABUK1). Also called: KMT2D-Related Kabuki Syndrome. Identifiers: Orphanet 2322, MedGen CN030661, MONDO:0007843, OMIM 147920.

Submissions (3):

Baylor Genetics
Classification: Pathogenic for Kabuki syndrome 1. Last evaluated: 2023-12-27. Review status: criteria provided, single submitter. Criteria: ACMG Guidelines, 2015. Collection method: clinical testing. Allele origin: unknown.

Labcorp Genetics (formerly Invitae), Labcorp
Classification: Pathogenic for Kabuki syndrome. Last evaluated: 2020-10-08. Review status: criteria provided, single submitter. Criteria: Invitae Variant Classification Sherloc (09022015). Collection method: clinical testing. Allele origin: germline.
Comment: For these reasons, this variant has been classified as Pathogenic. Loss-of-function variants in KMT2D are known to be pathogenic (PMID: 22126750). This variant has not been reported in the literature in individuals with KMT2D-related conditions. This variant is not present in population databases (ExAC no frequency). This sequence change creates a premature translational stop signal (p.Leu725Valfs*5) in the KMT2D gene. It is expected to result in an absent or disrupted protein product.

Blueprint Genetics
Classification: Likely pathogenic for KMT2D-related disorders. Last evaluated: 2019-11-27. Review status: criteria provided, single submitter. Criteria: ACMG Guidelines, 2015. Collection method: clinical testing. Allele origin: germline. Affected: yes. Observed: 1 variant allele.

Literature cited by the submitters: PubMed 22126750 (cited by Labcorp Genetics (formerly Invitae), Labcorp).

NM_003482.4(KMT2D):c.2173_2174del (p.Leu725fs)

Gene: KMT2D (lysine methyltransferase 2D; minus strand). Cytogenetic location: 12q13.12.
Variant type: Deletion.
Coding change: c.2173_2174del on transcript NM_003482.4 (MANE Select); coding-DNA positions 2173 to 2174, 2 bases deleted (CT; older notation c.2173_2174delCT).
Protein change: p.Leu725fs; shifts the reading frame from leucine 725.
Molecular consequence: frameshift variant.
Genome position (GRCh38, 1-based): chr12:49,051,509-49,051,510, AG deleted on the plus strand (CT on the coding strand, the reverse complement: KMT2D is on the minus strand). VCF-style (leftmost placement, unchanged base first): chr12-49051508-CAG-C. GRCh37 (hg19) VCF-style: chr12-49445291-CAG-C.
Other names: short protein forms L725fs.
Identifiers: ClinVar variation 1069469 (VCV001069469.9), dbSNP rs2120671121, ClinGen allele CA2499221721.